The following is an entry in ClinVar:

ClinVar aggregate classification (germline): Conflicting classifications of pathogenicity. Review status: criteria provided, conflicting classifications (1 of 4 stars). 4 submissions from 4 submitters: Likely pathogenic (3); Uncertain significance (1). Last evaluated 2024-04-17.

Conditions:
Hepatoencephalopathy due to combined oxidative phosphorylation defect type 1. Also called: HEPATOENCEPHALOPATHY, EARLY FATAL PROGRESSIVE. Identifiers: Orphanet 137681, MedGen C1836797, MONDO:0012191, OMIM 609060.

Allele frequency attached by ClinVar (database versions not stated): ExAC 0.00001; gnomAD 0.00001; gnomAD exomes 0.00001 and 0.00002; TOPMed 0.00002.
gnomAD v4.1: 10 of 1,613,968 alleles (0.00062%); highest among the groups gnomAD compares: Admixed American, 0.005%; no homozygotes.

Submissions (4):

Labcorp Genetics (formerly Invitae), Labcorp
Classification: Uncertain significance. Last evaluated: 2024-04-17. Review status: criteria provided, single submitter. Criteria: Invitae Variant Classification Sherloc (09022015). Collection method: clinical testing. Allele origin: germline.
Comment: This sequence change replaces arginine, which is basic and polar, with tryptophan, which is neutral and slightly polar, at codon 608 of the GFM1 protein (p.Arg608Trp). This variant is present in population databases (rs762576741, gnomAD 0.006%). This missense change has been observed in individual(s) with clinical features of combined oxidative phosphorylation deficiency (PMID: 31680380). ClinVar contains an entry for this variant (Variation ID: 802018). Advanced modeling of protein sequence and biophysical properties (such as structural, functional, and spatial information, amino acid conservation, physicochemical variation, residue mobility, and thermodynamic stability) performed at Invitae indicates that this missense variant is not expected to disrupt GFM1 protein function with a negative predictive value of 80%. This variant disrupts the p.Arg608 amino acid residue in GFM1. Other variant(s) that disrupt this residue have been determined to be pathogenic (PMID: 35703069). This suggests that this residue is clinically significant, and that variants that disrupt this residue are likely to be disease-causing. In summary, the available evidence is currently insufficient to determine the role of this variant in disease. Therefore, it has been classified as a Variant of Uncertain Significance.

3billion
Classification: Likely pathogenic for Hepatoencephalopathy due to combined oxidative phosphorylation defect type 1. Last evaluated: 2023-02-23. Review status: criteria provided, single submitter. Criteria: ACMG Guidelines, 2015. Collection method: clinical testing. Allele origin: unknown. Affected: yes.
Comment: The variant is observed at an extremely low frequency in the gnomAD v2.1.1 dataset (total allele frequency: 0.002%). In silico tool predictions suggest damaging effect of the variant on gene or gene product (REVEL: 0.52; 3Cnet: 0.80). Same nucleotide change resulting in same amino acid change has been previously reported as pathogenic/likely pathogenic with strong evidence (ClinVar ID: VCV000802018). A different missense change at the same codon (p.Arg608Gln) has been reported to be associated with GFM1 related disorder (ClinVar ID: VCV001119996 / PMID: 32746448). Therefore, this variant is classified as Likely pathogenic according to the recommendation of ACMG/AMP guideline.

Mendelics
Classification: Likely pathogenic for Hepatoencephalopathy due to combined oxidative phosphorylation defect type 1. Last evaluated: 2019-05-28. Review status: criteria provided, single submitter. Criteria: Mendelics Assertion Criteria 2017. Collection method: clinical testing. Allele origin: unknown.

Laboratoire de Génétique Moléculaire Institut de Recherche Necker Enfants Malades, CHU Paris - Hôpital Necker-Enfants Malades
Classification: Likely pathogenic for Combined oxidative phosphorylation deficiency 1. Review status: criteria provided, single submitter. Criteria: ACMG Guidelines, 2015. Collection method: clinical testing. Allele origin: inherited. Affected: yes. Observed: 1 variant allele.

Literature cited by the submitters: PubMed 31680380 (cited by Labcorp Genetics (formerly Invitae), Labcorp); PubMed 35703069 (cited by Labcorp Genetics (formerly Invitae), Labcorp); PubMed 32746448 (cited by 3billion).

NM_024996.7(GFM1):c.1822C>T (p.Arg608Trp)

Gene: GFM1 (G elongation factor mitochondrial 1; plus strand). Cytogenetic location: 3q25.32.
Variant type: single nucleotide variant.
Coding change: c.1822C>T on transcript NM_024996.7 (MANE Select); coding-DNA position 1822, C replaced by T.
Protein change: p.Arg608Trp; replaces arginine 608 with tryptophan.
Molecular consequence: missense variant. On other transcripts: non-coding transcript variant (2).
Genome position (GRCh38, 1-based): chr3:158,684,581, C>T. VCF-style: chr3-158684581-C-T. GRCh37 (hg19) VCF-style: chr3-158402370-C-T.
Other names: c.1879C>T, p.Arg627Trp (NM_001308164.2); c.1741C>T, p.Arg581Trp (NM_001374355.1); c.1705C>T, p.Arg569Trp (NM_001374356.1); c.1597C>T, p.Arg533Trp (NM_001374357.1); c.1363C>T, p.Arg455Trp (NM_001374358.1); c.1255C>T, p.Arg419Trp (NM_001374359.1, NM_001374360.1); c.1138C>T, p.Arg380Trp (NM_001374361.1); short protein forms R419W, R380W, R533W, R569W, R581W, R627W, R608W, R455W.
Identifiers: ClinVar variation 802018 (VCV000802018.6), dbSNP rs762576741, ClinGen allele CA2683001.